The following is an entry in ClinVar:

NM_002519.3(NPAT):c.2389G>C (p.Gly797Arg)

Gene: NPAT (nuclear protein, coactivator of histone transcription; minus strand). Cytogenetic location: 11q22.3.
Variant type: single nucleotide variant.
Coding change: c.2389G>C on transcript NM_002519.3 (MANE Select); coding-DNA position 2389, G replaced by C.
Protein change: p.Gly797Arg; replaces glycine 797 with arginine.
Molecular consequence: missense variant.
Genome position (GRCh38, 1-based): chr11:108,172,595, C>G on the plus strand (G>C on the coding strand, the complement: NPAT is on the minus strand). VCF-style: chr11-108172595-C-G. GRCh37 (hg19) VCF-style: chr11-108043322-C-G.
Other names: c.2389G>C, p.Gly797Arg (NM_001321307.1); short protein forms G797R.
Identifiers: ClinVar variation 1790527 (VCV001790527.2), dbSNP rs746414419, ClinGen allele CA6263826.
Genomic context (GRCh38, chr11:108,172,595, plus strand): 5'-ATGTTAAAAGACTCTGTTCCATTGAGGCTGAATCCCCTACTTCGGCATATACAACAGCAC[C>G]TACAGTTTCTTCTGAAGATAGGCATTTAACTAGTTCTGCATTTTTAGTAGGTGATTTAGT-3'
Protein context (NP_002510.2, residues 787-807): VKCLSSEETV[Gly797Arg]AVVYAEVGDS

ClinVar aggregate classification (germline): Uncertain significance (1 of 4 stars; one submission).

Allele frequency attached by ClinVar (database versions not stated): gnomAD exomes below 0.00001; ExAC 0.00001; gnomAD 0.00001; TOPMed 0.00001.
gnomAD v4.1: 8 of 1,614,060 alleles (0.0005%); highest among the groups gnomAD compares: African/African-American, 0.0013%; no homozygotes.

Submission:

Ambry Genetics
Classification: Uncertain significance. Last evaluated: 2022-01-15. Review status: criteria provided, single submitter. Criteria: Ambry Variant Classification Scheme 2023. Collection method: clinical testing. Allele origin: germline.
Comment: The p.G797R variant (also known as c.2389G>C), located in coding exon 13 of the NPAT gene, results from a G to C substitution at nucleotide position 2389. The glycine at codon 797 is replaced by arginine, an amino acid with dissimilar properties. This amino acid position is conserved. In addition, this alteration is predicted to be tolerated by in silico analysis. Since supporting evidence is limited at this time, the clinical significance of this alteration remains unclear.